The following is an entry in ClinVar:

ClinVar aggregate classification (germline): Pathogenic (1 of 4 stars; one submission).

Conditions:
T-cell immunodeficiency, congenital alopecia, and nail dystrophy. Also called: Congenital alopecia and nail dystrophy associated with severe functional T-cell immunodeficiency; Pignata Guarino syndrome. Identifiers: Orphanet 169095, MedGen C1866426, MONDO:0011132, OMIM 601705.

Submission:

Labcorp Genetics (formerly Invitae), Labcorp
Classification: Pathogenic for T-cell immunodeficiency, congenital alopecia, and nail dystrophy. Last evaluated: 2025-07-14. Review status: criteria provided, single submitter. Criteria: Invitae Variant Classification Sherloc (09022015). Collection method: clinical testing. Allele origin: germline.
Comment: This sequence change creates a premature translational stop signal (p.Pro152Glnfs*150) in the FOXN1 gene. It is expected to result in an absent or disrupted protein product. Loss-of-function variants in FOXN1 are known to be pathogenic (PMID: 10206641, 15180707, 31447097). This variant is not present in population databases (gnomAD no frequency). This variant has not been reported in the literature in individuals affected with FOXN1-related conditions. ClinVar contains an entry for this variant (Variation ID: 1360931). For these reasons, this variant has been classified as Pathogenic.

Literature cited by the submitters: PubMed 10206641; PubMed 15180707; PubMed 31447097.

NM_001369369.1(FOXN1):c.455del (p.Pro152fs)

Gene: FOXN1 (forkhead box N1; plus strand). Cytogenetic location: 17q11.2.
Variant type: Deletion.
Coding change: c.455del on transcript NM_001369369.1 (MANE Select); coding-DNA position 455, one base deleted (C; older notation c.455delC).
Protein change: p.Pro152fs; shifts the reading frame from proline 152.
Molecular consequence: frameshift variant.
Genome position (GRCh38, 1-based): chr17:28,524,834, C deleted; the last of 4 consecutive C bases (chr17:28,524,831-28,524,834); deleting any one gives the same sequence. VCF-style (leftmost placement, unchanged base first): chr17-28524830-AC-A. GRCh37 (hg19) VCF-style: chr17-26851848-AC-A.
Other names: c.455del, p.Pro152fs (NM_003593.3); short protein forms P152fs.
Identifiers: ClinVar variation 1360931 (VCV001360931.6), dbSNP rs2151487481, ClinGen allele CA2573153756.